The following is an entry in ClinVar:

NM_001375405.1(CEP120):c.1684dup (p.Thr562fs)

Gene: CEP120 (centrosomal protein 120; minus strand). Cytogenetic location: 5q23.2.
Variant type: Duplication.
Coding change: c.1684dup on transcript NM_001375405.1 (MANE Select); coding-DNA position 1684, one base duplicated (A; older notation c.1684dupA).
Protein change: p.Thr562fs; shifts the reading frame from threonine 562.
Molecular consequence: frameshift variant. On other transcripts: non-coding transcript variant (1).
Genome position (GRCh38, 1-based): chr5:123,385,030, T duplicated on the plus strand (A on the coding strand, the reverse complement: CEP120 is on the minus strand); the first of 6 consecutive T bases (chr5:123,385,030-123,385,035); duplicating any one gives the same sequence. VCF-style (leftmost placement, unchanged base first): chr5-123385029-G-GT. GRCh37 (hg19) VCF-style: chr5-122720723-G-GT.
Other names: c.1684dupA (NM_153223.3); c.1606dup, p.Thr536fs (NM_001166226.2); c.1549dup, p.Thr517fs (NM_001375406.1); c.1684dup, p.Thr562fs (NM_001375407.1, NM_153223.4); c.1111dup, p.Thr371fs (NM_001375408.1, NM_001375409.1); short protein forms T371fs, T517fs, T536fs, T562fs.
Identifiers: ClinVar variation 1069907 (VCV001069907.8), dbSNP rs2127055990, ClinGen allele CA2499217516.

ClinVar aggregate classification (germline): Pathogenic/Likely pathogenic. Review status: criteria provided, multiple submitters, no conflicts (2 of 4 stars). 2 submissions from 2 submitters: Pathogenic (1); Likely pathogenic (1). Last evaluated 2026-08-25.

Conditions:
Short-rib thoracic dysplasia 13 with or without polydactyly (SRTD13). Identifiers: Orphanet 474, MedGen C4225378, MONDO:0014577, OMIM 616300.
CEP120-related disorder. Also called: CEP120-Related Disorders; CEP120-related condition.

Submissions (2):

PreventionGenetics, part of Exact Sciences
Classification: Likely pathogenic for CEP120-related condition. Last evaluated: 2026-08-25. Review status: criteria provided, single submitter. Criteria: ACMG Guidelines, 2015. Collection method: clinical testing. Allele origin: germline.
Comment: The CEP120 c.1684dupA variant is predicted to result in a frameshift and premature protein termination (p.Thr562Asnfs*7). To our knowledge, this variant has not been reported in the literature or in a large population database (gnomAD), indicating this variant is rare. Frameshift variants in CEP120 are expected to be pathogenic. This variant is interpreted as likely pathogenic.

Labcorp Genetics (formerly Invitae), Labcorp
Classification: Pathogenic for Short-rib thoracic dysplasia 13 with or without polydactyly. Last evaluated: 2020-01-23. Review status: criteria provided, single submitter. Criteria: Invitae Variant Classification Sherloc (09022015). Collection method: clinical testing. Allele origin: germline.
Comment: This sequence change creates a premature translational stop signal (p.Thr562Asnfs*7) in the CEP120 gene. It is expected to result in an absent or disrupted protein product. This variant is not present in population databases (ExAC no frequency). This variant has not been reported in the literature in individuals with CEP120-related conditions. Loss-of-function variants in CEP120 are known to be pathogenic (PMID: 27208211, 25251415). For these reasons, this variant has been classified as Pathogenic.

Literature cited by the submitters: PubMed 27208211 (cited by Labcorp Genetics (formerly Invitae), Labcorp); PubMed 25251415 (cited by Labcorp Genetics (formerly Invitae), Labcorp).